The following is an entry in ClinVar:

ClinVar aggregate classification (germline): Uncertain significance (1 of 4 stars; one submission).

Conditions:
ATP11A-related disorder. Also called: ATP11A-related condition.

gnomAD v4.1: 19 of 1,614,028 alleles (0.0012%); highest among the groups gnomAD compares: South Asian, 0.0033%; no homozygotes.

Submission:

PreventionGenetics, part of Exact Sciences
Classification: Uncertain significance for ATP11A-related condition. Last evaluated: 2026-02-23. Review status: criteria provided, single submitter. Criteria: ACMG Guidelines, 2015. Collection method: clinical testing. Allele origin: germline.
Comment: The ATP11A c.581C>T variant is predicted to result in the amino acid substitution p.Ala194Val. To our knowledge, this variant has not been reported in the literature. This variant is reported in 0.0054% of alleles in individuals of East Asian descent in gnomAD. At this time, the clinical significance of this variant is uncertain due to the absence of conclusive functional and genetic evidence.

NM_015205.3(ATP11A):c.581C>T (p.Ala194Val)

Gene: ATP11A (ATPase phospholipid transporting 11A; plus strand). Cytogenetic location: 13q34.
Variant type: single nucleotide variant.
Coding change: c.581C>T on transcript NM_015205.3 (MANE Select); coding-DNA position 581, C replaced by T.
Protein change: p.Ala194Val; replaces alanine 194 with valine.
Molecular consequence: missense variant.
Genome position (GRCh38, 1-based): chr13:112,819,314, C>T. VCF-style: chr13-112819314-C-T. GRCh37 (hg19) VCF-style: chr13-113473628-C-T.
Other names: c.581C>T, p.Ala194Val (NM_001405661.1, NM_001405662.1, NM_001405663.1 and 1 more transcripts); short protein forms A194V.
Identifiers: ClinVar variation 4984074 (VCV004984074.1).